The following is an entry in ClinVar:

NM_178857.6(RP1L1):c.40C>A (p.Arg14Ser)

Gene: RP1L1 (RP1 like 1). Cytogenetic location: 8p23.1.
Variant type: single nucleotide variant.
Coding change: c.40C>A on transcript NM_178857.6 (MANE Select); coding-DNA position 40, C replaced by A.
Protein change: p.Arg14Ser; replaces arginine 14 with serine.
Molecular consequence: missense variant.
Genome position (GRCh38, 1-based): chr8:10,623,162, G>T on the plus strand (C>A on the coding strand, the complement: RP1L1 is on the minus strand). VCF-style: chr8-10623162-G-T. GRCh37 (hg19) VCF-style: chr8-10480672-G-T.
Other names: short protein forms R14S.
Identifiers: ClinVar variation 1425613 (VCV001425613.9), dbSNP rs765708710, ClinGen allele CA370301248.

ClinVar aggregate classification (germline): Uncertain significance (1 of 4 stars; one submission).

Submission:

Labcorp Genetics (formerly Invitae), Labcorp
Classification: Uncertain significance. Last evaluated: 2022-08-22. Review status: criteria provided, single submitter. Criteria: Invitae Variant Classification Sherloc (09022015). Collection method: clinical testing. Allele origin: germline.
Comment: In summary, the available evidence is currently insufficient to determine the role of this variant in disease. Therefore, it has been classified as a Variant of Uncertain Significance. Advanced modeling of protein sequence and biophysical properties (such as structural, functional, and spatial information, amino acid conservation, physicochemical variation, residue mobility, and thermodynamic stability) performed at Invitae indicates that this missense variant is not expected to disrupt RP1L1 protein function. ClinVar contains an entry for this variant (Variation ID: 1425613). This variant has not been reported in the literature in individuals affected with RP1L1-related conditions. The frequency data for this variant in the population databases is considered unreliable, as metrics indicate poor data quality at this position in the gnomAD database. This sequence change replaces arginine, which is basic and polar, with serine, which is neutral and polar, at codon 14 of the RP1L1 protein (p.Arg14Ser).